The following is an entry in ClinVar:

NM_004304.5(ALK):c.1454G>C (p.Gly485Ala)

Gene: ALK (ALK receptor tyrosine kinase; minus strand). Cytogenetic location: 2p23.2.
Variant type: single nucleotide variant.
Coding change: c.1454G>C on transcript NM_004304.5 (MANE Select); coding-DNA position 1454, G replaced by C.
Protein change: p.Gly485Ala; replaces glycine 485 with alanine.
Molecular consequence: missense variant.
Genome position (GRCh38, 1-based): chr2:29,320,843, C>G on the plus strand (G>C on the coding strand, the complement: ALK is on the minus strand). VCF-style: chr2-29320843-C-G. GRCh37 (hg19) VCF-style: chr2-29543709-C-G.
Other names: short protein forms G485A.
Identifiers: ClinVar variation 3524464 (VCV003524464.1).
Genomic context (GRCh38, chr2:29,320,843, plus strand): 5'-GTCCTGACCTGCCATTGAGGAGTGTGGGGTGACAGTGTGCCTTGGGTCCAGCCACAGAAG[C>G]CATCTTCAAAGTTGCAGTAAAAACCCACAGGCAGTTTCCCTATGGAGAGAGCAGAGAGGC-3'
Protein context (NP_004295.2, residues 475-495): PVGFYCNFED[Gly485Ala]FCGWTQGTLS

ClinVar aggregate classification (germline): Uncertain significance (1 of 4 stars; one submission).

Conditions:
Hereditary cancer-predisposing syndrome. Also called: Hereditary Cancer Syndrome; Hereditary neoplastic syndrome; Tumor predisposition; Neoplastic Syndromes, Hereditary. Identifiers: Orphanet 140162, MedGen C0027672, MeSH D009386, MONDO:0015356.

Submission:

Ambry Genetics
Classification: Uncertain significance for Hereditary cancer-predisposing syndrome. Last evaluated: 2024-08-28. Review status: criteria provided, single submitter. Criteria: Ambry Variant Classification Scheme 2023. Collection method: clinical testing. Allele origin: germline.
Comment: The p.G485A variant (also known as c.1454G>C), located in coding exon 7 of the ALK gene, results from a G to C substitution at nucleotide position 1454. The glycine at codon 485 is replaced by alanine, an amino acid with similar properties. This amino acid position is conserved. In addition, this alteration is predicted to be tolerated by in silico analysis. Based on the available evidence, the clinical significance of this variant remains unclear.